The following is an entry in ClinVar:

ClinVar aggregate classification (germline): Likely benign. Review status: criteria provided, multiple submitters, no conflicts (2 of 4 stars). 2 submissions from 2 submitters: Likely benign (2). Last evaluated 2018-06-14.

Allele frequency attached by ClinVar (database versions not stated): 1000 Genomes Project 30x 0.00484; 1000 Genomes Project 0.00519; TOPMed 0.01488.

Submissions (2):

GeneDx
Classification: Likely benign. Last evaluated: 2018-06-14. Review status: criteria provided, single submitter. Criteria: GeneDx Variant Classification (06012015). Collection method: clinical testing. Allele origin: germline. Affected: yes.
Comment: This variant is considered likely benign or benign based on one or more of the following criteria: it is a conservative change, it occurs at a poorly conserved position in the protein, it is predicted to be benign by multiple in silico algorithms, and/or has population frequency not consistent with disease.

Breakthrough Genomics
Classification: Likely benign. Review status: criteria provided, single submitter. Criteria: ACMG Guidelines, 2015. Collection method: not provided. Allele origin: germline. Inheritance: Autosomal recessive inheritance. Affected: yes.

NM_006859.4(LIAS):c.313-152C>A

Gene: LIAS (lipoic acid synthetase; plus strand). Cytogenetic location: 4p14.
Variant type: single nucleotide variant.
Coding change: c.313-152C>A on transcript NM_006859.4 (MANE Select); 152 bases into the intron before coding-DNA position 313, C replaced by A.
Molecular consequence: intron variant.
Genome position (GRCh38, 1-based): chr4:39,463,373, C>A. VCF-style: chr4-39463373-C-A. GRCh37 (hg19) VCF-style: chr4-39464993-C-A.
Other names: c.313-152C>A (NM_194451.3, NM_001278590.2, NM_001278591.2); c.219-152C>A (NM_001363700.2, NM_001278592.2).
Identifiers: ClinVar variation 673314 (VCV000673314.2), dbSNP rs139913111, ClinGen allele CA95727840.